The following is an entry in ClinVar:

ClinVar aggregate classification (germline): Uncertain significance (1 of 4 stars; one submission).

Conditions:
Cystic fibrosis (CF). Also called: MUCOVISCIDOSIS. Identifiers: Orphanet 586, MedGen C0010674, MONDO:0009061, OMIM 219700. Disease mechanism: loss of function.

gnomAD v4.1: 1 of 1,611,532 alleles (0.000062%); no homozygotes.

Submission:

Ambry Genetics
Classification: Uncertain significance for Cystic fibrosis. Last evaluated: 2022-01-26. Review status: criteria provided, single submitter. Criteria: Ambry Variant Classification Scheme 2023. Collection method: clinical testing. Allele origin: germline.
Comment: The p.K273T variant (also known as c.818A>C), located in coding exon 7 of the CFTR gene, results from an A to C substitution at nucleotide position 818. The lysine at codon 273 is replaced by threonine, an amino acid with similar properties. This amino acid position is conserved. In addition, this alteration is predicted to be deleterious by in silico analysis. Since supporting evidence is limited at this time, the clinical significance of this alteration remains unclear.

NM_000492.4(CFTR):c.818A>C (p.Lys273Thr)

Gene: CFTR (CF transmembrane conductance regulator; plus strand). Cytogenetic location: 7q31.2.
Variant type: single nucleotide variant.
Coding change: c.818A>C on transcript NM_000492.4 (MANE Select); coding-DNA position 818, A replaced by C.
Protein change: p.Lys273Thr; replaces lysine 273 with threonine.
Molecular consequence: missense variant.
Genome position (GRCh38, 1-based): chr7:117,536,622, A>C. VCF-style: chr7-117536622-A-C. GRCh37 (hg19) VCF-style: chr7-117176676-A-C.
Other names: short protein forms K273T.
Identifiers: ClinVar variation 1762336 (VCV001762336.2), dbSNP rs756036343, ClinGen allele CA368977476.